The following is an entry in ClinVar:

NM_001005242.3(PKP2):c.484A>G (p.Thr162Ala)

Gene: PKP2 (plakophilin 2; minus strand). Cytogenetic location: 12p11.21.
Variant type: single nucleotide variant.
Coding change: c.484A>G on transcript NM_001005242.3 (MANE Select); coding-DNA position 484, A replaced by G.
Protein change: p.Thr162Ala; replaces threonine 162 with alanine.
Molecular consequence: missense variant.
Genome position (GRCh38, 1-based): chr12:32,878,396, T>C on the plus strand (A>G on the coding strand, the complement: PKP2 is on the minus strand). VCF-style: chr12-32878396-T-C. GRCh37 (hg19) VCF-style: chr12-33031330-T-C.
Other names: c.484A>G, p.Thr162Ala (NM_004572.4); short protein forms T162A.
Identifiers: ClinVar variation 923064 (VCV000923064.21), dbSNP rs765195368, ClinGen allele CA037591.

ClinVar aggregate classification (germline): Conflicting classifications of pathogenicity. Review status: criteria provided, conflicting classifications (1 of 4 stars). 9 submissions from 9 submitters: Uncertain significance (7); Likely benign (2). Last evaluated 2026-09-21.

Conditions:
PKP2-related disorder. Also called: PKP2-related condition.
Cardiovascular phenotype. Identifiers: MedGen CN230736.
Arrhythmogenic right ventricular cardiomyopathy (ARVD). Also called: Cardiomyopathy, ARVC; Arrhythmogenic right ventricular dysplasia; Arrhythmogenic cardiomyopathy; Arrhythmogenic Right Ventricular Cardiomyopathy (ARVC). Identifiers: Orphanet 247, MedGen C0349788, MeSH D019571, MONDO:0016587. Disease mechanism: loss of function. Inheritance: Various modes of inheritance.
Arrhythmogenic right ventricular dysplasia 9 (ARVD9). Also called: Arrhythmogenic Right Ventricular Dysplasia/Cardiomyopathy 9; ARRHYTHMOGENIC RIGHT VENTRICULAR DYSPLASIA, FAMILIAL, 9. Identifiers: MedGen C1836906, MONDO:0012180, OMIM 609040.
Cardiomyopathy (CMYO). Also called: Cardiomyopathies. Identifiers: Orphanet 167848, MedGen C0878544, MONDO:0004994, HP:0001638. Inheritance: Various modes of inheritance.

Allele frequency attached by ClinVar (database versions not stated): ExAC 0.00001; gnomAD 0.00001; gnomAD exomes 0.00002 and 0.00005; TOPMed 0.00002.
gnomAD v4.1: 69 of 1,613,748 alleles (0.0043%); highest among the groups gnomAD compares: Non-Finnish European, 0.0058%; no homozygotes.

Submissions (9):

PreventionGenetics, part of Exact Sciences
Classification: Uncertain significance for PKP2-related condition. Last evaluated: 2026-09-21. Review status: criteria provided, single submitter. Criteria: ACMG Guidelines, 2015. Collection method: clinical testing. Allele origin: germline.
Comment: The PKP2 c.484A>G variant is predicted to result in the amino acid substitution p.Thr162Ala. To our knowledge, this variant has not been reported in the literature. This variant is reported in 0.0054% of alleles in individuals of European (Non-Finnish) descent in gnomAD. At this time, the clinical significance of this variant is uncertain due to the absence of conclusive functional and genetic evidence.

Women's Health and Genetics/Laboratory Corporation of America, LabCorp
Classification: Uncertain significance. Last evaluated: 2026-05-27. Review status: criteria provided, single submitter. Criteria: LabCorp Variant Classification Summary - May 2015. Collection method: clinical testing. Allele origin: germline.
Comment: Variant summary: PKP2 c.484A>G (p.Thr162Ala) results in a non-conservative amino acid change in the encoded protein sequence. Algorithms developed to predict the effect of missense changes on protein structure and function are either unavailable or do not agree on the potential impact of this missense change. The variant allele was found at a frequency of 2.4e-05 in 251418 control chromosomes. The available data on variant occurrences in the general population are insufficient to allow any conclusion about variant significance. To our knowledge, no occurrence of c.484A>G in individuals affected with PKP2-related conditions and no experimental evidence demonstrating its impact on protein function have been reported. ClinVar contains an entry for this variant (Variation ID: 923064). Based on the evidence outlined above, the variant was classified as uncertain significance.

Labcorp Genetics (formerly Invitae), Labcorp
Classification: Uncertain significance for Arrhythmogenic right ventricular dysplasia 9. Last evaluated: 2026-01-12. Review status: criteria provided, single submitter. Criteria: Invitae Variant Classification Sherloc (09022015). Collection method: clinical testing. Allele origin: germline.
Comment: This sequence change replaces threonine, which is neutral and polar, with alanine, which is neutral and non-polar, at codon 162 of the PKP2 protein (p.Thr162Ala). This variant is present in population databases (rs765195368, gnomAD 0.006%). This variant has not been reported in the literature in individuals affected with PKP2-related conditions. ClinVar contains an entry for this variant (Variation ID: 923064). An algorithm developed to predict the effect of missense changes on protein structure and function outputs the following: PolyPhen-2: "Benign". The alanine amino acid residue is found in multiple mammalian species, which suggests that this missense change does not adversely affect protein function. In summary, the available evidence is currently insufficient to determine the role of this variant in disease. Therefore, it has been classified as a Variant of Uncertain Significance.

Color Diagnostics, LLC DBA Color Health
Classification: Uncertain significance for Cardiomyopathy. Last evaluated: 2024-12-16. Review status: criteria provided, single submitter. Criteria: ACMG Guidelines, 2015. Collection method: clinical testing. Allele origin: germline.
Comment: This missense variant replaces threonine with alanine at codon 162 of the PKP2 protein. Computational prediction suggests that this variant may not impact protein structure and function. To our knowledge, functional studies have not been reported for this variant. This variant has not been reported in individuals affected with PKP2-related disorders in the literature. This variant has been identified in 7/282760 chromosomes in the general population by the Genome Aggregation Database (gnomAD). The available evidence is insufficient to determine the role of this variant in disease conclusively. Therefore, this variant is classified as a Variant of Uncertain Significance.

All of Us Research Program, National Institutes of Health
Classification: Uncertain significance for Arrhythmogenic right ventricular cardiomyopathy. Last evaluated: 2024-03-05. Review status: criteria provided, single submitter. Criteria: ACMG Guidelines, 2015. Collection method: clinical testing. Allele origin: germline. Inheritance: Autosomal dominant inheritance. Observed: 11 variant alleles, 11 heterozygotes.
Comment: This missense variant replaces threonine with alanine at codon 162 of the PKP2 protein. Computational prediction suggests that this variant may not impact protein structure and function (internally defined REVEL score threshold <= 0.5, PMID: 27666373). To our knowledge, functional studies have not been reported for this variant. This variant has not been reported in individuals affected with cardiovascular disorders in the literature. This variant has been identified in 7/282760 chromosomes in the general population by the Genome Aggregation Database (gnomAD). The available evidence is insufficient to determine the role of this variant in disease conclusively. Therefore, this variant is classified as a Variant of Uncertain Significance.

This study involves interpretation of variants in research participants for the purpose of population health screening. Participant phenotype was not available at the time of variant classification. Additional details can be found in publication PMID: 35346344, PMCID: PMC8962531

Blueprint Genetics
Classification: Likely benign. Last evaluated: 2022-08-01. Review status: criteria provided, single submitter. Criteria: ACMG Guidelines, 2015. Collection method: clinical testing. Allele origin: germline.

Ambry Genetics
Classification: Likely benign for Cardiovascular phenotype. Last evaluated: 2022-02-17. Review status: criteria provided, single submitter. Criteria: Ambry Variant Classification Scheme 2023. Collection method: clinical testing. Allele origin: germline.

Fulgent Genetics
Classification: Uncertain significance for Arrhythmogenic right ventricular dysplasia 9. Last evaluated: 2021-11-17. Review status: criteria provided, single submitter. Criteria: ACMG Guidelines, 2015. Collection method: clinical testing. Allele origin: unknown.

GeneDx
Classification: Uncertain significance. Last evaluated: 2020-02-10. Review status: criteria provided, single submitter. Criteria: GeneDx Variant Classification Process June 2021. Collection method: clinical testing. Allele origin: germline. Affected: yes.
Comment: Has not been previously published as pathogenic or benign to our knowledge; In silico analysis supports that this missense variant does not alter protein structure/function